The following is an entry in ClinVar:

NM_002185.5(IL7R):c.538-2A>G

Gene: IL7R (interleukin 7 receptor; plus strand). Cytogenetic location: 5p13.2.
Variant type: single nucleotide variant.
Coding change: c.538-2A>G on transcript NM_002185.5 (MANE Select); the canonical splice acceptor site of the intron before coding-DNA position 538, A replaced by G.
Molecular consequence: splice acceptor variant.
Genome position (GRCh38, 1-based): chr5:35,873,478, A>G. VCF-style: chr5-35873478-A-G. GRCh37 (hg19) VCF-style: chr5-35873580-A-G.
Other names: c.538-2A>G (NM_001410734.1).
Identifiers: ClinVar variation 2789689 (VCV002789689.3), dbSNP rs769954937, ClinGen allele CA359430529.

ClinVar aggregate classification (germline): Pathogenic (1 of 4 stars; one submission).

Conditions:
Immunodeficiency 104. Also called: Severe combined immunodeficiency, autosomal recessive, T cell-negative, B cell-positive, NK cell-positive; SCID, AUTOSOMAL RECESSIVE, T CELL-NEGATIVE, B CELL-POSITIVE, NK CELL-POSITIVE; IMMUNODEFICIENCY 104, SEVERE COMBINED; Severe Combined Immune Deficiency, Autosomal Recessive, TCell -Negative, B Cell-Positive, NK Cell-Positive, IL7R-Related. Identifiers: MedGen C5676890, MONDO:0012163, OMIM 608971.

Submission:

Labcorp Genetics (formerly Invitae), Labcorp
Classification: Pathogenic for Immunodeficiency 104. Last evaluated: 2023-04-14. Review status: criteria provided, single submitter. Criteria: Invitae Variant Classification Sherloc (09022015). Collection method: clinical testing. Allele origin: germline.
Comment: For these reasons, this variant has been classified as Pathogenic. Algorithms developed to predict the effect of sequence changes on RNA splicing suggest that this variant may disrupt the consensus splice site. Disruption of this splice site has been observed in individuals with T−B+NK+ severe combined immunodeficiency (PMID: 9843216). This variant is not present in population databases (gnomAD no frequency). This sequence change affects an acceptor splice site in intron 4 of the IL7R gene. It is expected to disrupt RNA splicing. Variants that disrupt the donor or acceptor splice site typically lead to a loss of protein function (PMID: 16199547), and loss-of-function variants in IL7R are known to be pathogenic (PMID: 21664875, 26123418).

Literature cited by the submitters: PubMed 9843216; PubMed 16199547; PubMed 21664875; PubMed 26123418.